The following is an entry in ClinVar:

NM_001267550.2(TTN):c.75734G>A (p.Arg25245Lys)

Genes: TTN (titin; minus strand), TTN-AS1 (TTN antisense RNA 1; plus strand). Cytogenetic location: 2q31.2.
Variant type: single nucleotide variant.
Coding change: c.75734G>A on transcript NM_001267550.2 (MANE Select); coding-DNA position 75734, G replaced by A.
Protein change: p.Arg25245Lys; replaces arginine 25245 with lysine.
Molecular consequence: missense variant.
Genome position (GRCh38, 1-based): chr2:178,570,398, C>T on the plus strand (G>A on the coding strand, the complement: TTN is on the minus strand). VCF-style: chr2-178570398-C-T. GRCh37 (hg19) VCF-style: chr2-179435125-C-T.
Other names: p.R23604K:AGA>AAA; c.70811G>A, p.Arg23604Lys (NM_001256850.1); c.68030G>A, p.Arg22677Lys (NM_133378.4); c.48539G>A, p.Arg16180Lys (NM_003319.4); c.48914G>A, p.Arg16305Lys (NM_133432.3); c.49115G>A, p.Arg16372Lys (NM_133437.4); short protein forms R25245K, R22677K, R23604K, R16180K, R16305K, R16372K.
Identifiers: ClinVar variation 47340 (VCV000047340.12), dbSNP rs397517701, ClinGen allele CA140731.

ClinVar aggregate classification (germline): Conflicting classifications of pathogenicity. Review status: criteria provided, conflicting classifications (1 of 4 stars). 5 submissions from 5 submitters: Uncertain significance (4); Likely benign (1). Last evaluated 2025-07-02.

Conditions:
TTN-related disorder. Also called: TTN-related condition; TTN-related disease; TTN-related disorders.
Cardiomyopathy (CMYO). Also called: Cardiomyopathies. Identifiers: Orphanet 167848, MedGen C0878544, MONDO:0004994, HP:0001638. Inheritance: Various modes of inheritance.

Allele frequency attached by ClinVar (database versions not stated): TOPMed 0.00002; gnomAD 0.00003.
gnomAD v4.1: 26 of 1,613,038 alleles (0.0016%); highest among the groups gnomAD compares: Middle Eastern, 0.016%; no homozygotes.

Submissions (5):

PreventionGenetics, part of Exact Sciences
Classification: Uncertain significance for TTN-related condition. Last evaluated: 2025-07-02. Review status: criteria provided, single submitter. Criteria: ACMG Guidelines, 2015. Collection method: clinical testing. Allele origin: germline.
Comment: The TTN c.75734G>A variant is predicted to result in the amino acid substitution p.Arg25245Lys. To our knowledge, this variant has not been reported in the literature. This variant is reported in 0.0047% of alleles in individuals of European (Non-Finnish) descent in gnomAD. At this time, the clinical significance of this variant is uncertain due to the absence of conclusive functional and genetic evidence.

Revvity Omics, Revvity
Classification: Uncertain significance. Last evaluated: 2022-11-09. Review status: criteria provided, single submitter. Criteria: ACMG Guidelines, 2015. Collection method: clinical testing. Allele origin: germline.

GeneDx
Classification: Likely benign. Last evaluated: 2021-01-20. Review status: criteria provided, single submitter. Criteria: GeneDx Variant Classification Process June 2021. Collection method: clinical testing. Allele origin: germline. Affected: yes.

CHEO Genetics Diagnostic Laboratory, Children's Hospital of Eastern Ontario
Classification: Uncertain significance for Cardiomyopathy. Last evaluated: 2020-05-27. Review status: criteria provided, single submitter. Criteria: ACMG Guidelines, 2015. Collection method: clinical testing. Allele origin: germline.

Laboratory for Molecular Medicine, Mass General Brigham Personalized Medicine
Classification: Uncertain significance. Last evaluated: 2014-04-04. Review status: criteria provided, single submitter. Criteria: LMM Criteria. Collection method: clinical testing. Allele origin: germline. Observed: 2 variant alleles.